The following is an entry in ClinVar:

ClinVar aggregate classification (germline): Uncertain significance. Review status: criteria provided, multiple submitters, no conflicts (2 of 4 stars). 3 submissions from 3 submitters: Uncertain significance (3). Last evaluated 2024-10-17.

Conditions:
Inborn genetic diseases. Identifiers: MedGen C0950123, MeSH D030342.

Allele frequency attached by ClinVar (database versions not stated): ExAC 0.00001; TOPMed 0.00001; gnomAD 0.00002.
gnomAD v4.1: 21 of 1,613,814 alleles (0.0013%); highest among the groups gnomAD compares: Admixed American, 0.0033%; no homozygotes.

Submissions (3):

Blueprint Genetics
Classification: Uncertain significance. Last evaluated: 2024-10-17. Review status: criteria provided, single submitter. Criteria: ACMG Guidelines, 2015. Collection method: clinical testing. Allele origin: germline.

Ambry Genetics
Classification: Uncertain significance for Inborn genetic diseases. Last evaluated: 2021-12-03. Review status: criteria provided, single submitter. Criteria: Ambry Variant Classification Scheme 2023. Collection method: clinical testing. Allele origin: germline.

Labcorp Genetics (formerly Invitae), Labcorp
Classification: Uncertain significance. Last evaluated: 2020-04-18. Review status: criteria provided, single submitter. Criteria: Invitae Variant Classification Sherloc (09022015). Collection method: clinical testing. Allele origin: germline.
Comment: In summary, the available evidence is currently insufficient to determine the role of this variant in disease. Therefore, it has been classified as a Variant of Uncertain Significance. Algorithms developed to predict the effect of missense changes on protein structure and function are either unavailable or do not agree on the potential impact of this missense change (SIFT: "Deleterious"; PolyPhen-2: "Possibly Damaging"; Align-GVGD: "Class C15"). This variant has not been reported in the literature in individuals with PDE6A-related conditions. This variant is present in population databases (rs537906487, ExAC 0.001%). This sequence change replaces valine with methionine at codon 567 of the PDE6A protein (p.Val567Met). The valine residue is highly conserved and there is a small physicochemical difference between valine and methionine.

NM_000440.3(PDE6A):c.1699G>A (p.Val567Met)

Gene: PDE6A (phosphodiesterase 6A; minus strand). Cytogenetic location: 5q32.
Variant type: single nucleotide variant.
Coding change: c.1699G>A on transcript NM_000440.3 (MANE Select); coding-DNA position 1699, G replaced by A.
Protein change: p.Val567Met; replaces valine 567 with methionine.
Molecular consequence: missense variant.
Genome position (GRCh38, 1-based): chr5:149,895,212, C>T on the plus strand (G>A on the coding strand, the complement: PDE6A is on the minus strand). VCF-style: chr5-149895212-C-T. GRCh37 (hg19) VCF-style: chr5-149274775-C-T.
Other names: c.1699G>A (NM_000440.2); short protein forms V567M.
Identifiers: ClinVar variation 1001922 (VCV001001922.10), dbSNP rs537906487, ClinGen allele CA3504586.